The following is an entry in ClinVar:

ClinVar aggregate classification (germline): Pathogenic (1 of 4 stars; one submission).

Conditions:
Ehlers-Danlos syndrome, kyphoscoliotic type 1 (EDSKSCL1). Also called: EHLERS-DANLOS SYNDROME, TYPE VIA; Ehlers-Danlos syndrome, hydroxylysine-deficient; EHLERS-DANLOS SYNDROME, OCULAR-SCOLIOTIC TYPE; PLOD1-Related Kyphoscoliotic Ehlers-Danlos Syndrome. Identifiers: Orphanet 1900, MedGen C0268342, MONDO:0016002, OMIM 225400. Disease mechanism: loss of function.

Submission:

Labcorp Genetics (formerly Invitae), Labcorp
Classification: Pathogenic for Ehlers-Danlos syndrome, kyphoscoliotic type 1. Last evaluated: 2023-10-17. Review status: criteria provided, single submitter. Criteria: Invitae Variant Classification Sherloc (09022015). Collection method: clinical testing. Allele origin: unknown.
Comment: This variant is a gross deletion of the genomic region encompassing exon(s) 2-6 of the PLOD1 gene. This variant would be expected to be in-frame, preserving the integrity of the reading frame. This variant has not been reported in the literature in individuals affected with PLOD1-related conditions. This variant disrupts a region of the PLOD1 protein in which other variant(s) (Deletion (Exons 3-5)) have been determined to be pathogenic (Invitae). This suggests that this is a clinically significant region of the protein, and that variants that disrupt it are likely to be disease-causing. For these reasons, this variant has been classified as Pathogenic.

NC_000001.10:g.(?_12008013)_(12014970_?)del

Gene: PLOD1 (procollagen-lysine,2-oxoglutarate 5-dioxygenase 1; plus strand). Cytogenetic location: 1p36.22.
Variant type: Deletion.
Identifiers: ClinVar variation 3247670 (VCV003247670.1).